The following is an entry in ClinVar:

ClinVar aggregate classification (germline): Uncertain significance. Review status: criteria provided, multiple submitters, no conflicts (2 of 4 stars). 2 submissions from 2 submitters: Uncertain significance (2). Last evaluated 2024-01-23.

Conditions:
Progressive external ophthalmoplegia with mitochondrial DNA deletions, autosomal dominant 4. Also called: PROGRESSIVE EXTERNAL OPHTHALMOPLEGIA, AUTOSOMAL DOMINANT 4. Identifiers: MedGen C1864668, MONDO:0012415, OMIM 610131.

Allele frequency attached by ClinVar (database versions not stated): gnomAD exomes below 0.00001; gnomAD 0.00001; ExAC 0.00002; 1000 Genomes Project 30x 0.00016; 1000 Genomes Project 0.00020.
gnomAD v4.1: 5 of 1,613,000 alleles (0.00031%); highest among the groups gnomAD compares: South Asian, 0.0055%; no homozygotes.

Submissions (2):

Labcorp Genetics (formerly Invitae), Labcorp
Classification: Uncertain significance. Last evaluated: 2024-01-23. Review status: criteria provided, single submitter. Criteria: Invitae Variant Classification Sherloc (09022015). Collection method: clinical testing. Allele origin: germline.
Comment: This sequence change replaces phenylalanine, which is neutral and non-polar, with leucine, which is neutral and non-polar, at codon 354 of the POLG2 protein (p.Phe354Leu). This variant is present in population databases (rs551485718, gnomAD 0.003%). This variant has not been reported in the literature in individuals affected with POLG2-related conditions. ClinVar contains an entry for this variant (Variation ID: 2664901). Algorithms developed to predict the effect of missense changes on protein structure and function output the following: SIFT: "Not Available"; PolyPhen-2: "Benign"; Align-GVGD: "Not Available". The leucine amino acid residue is found in multiple mammalian species, which suggests that this missense change does not adversely affect protein function. In summary, the available evidence is currently insufficient to determine the role of this variant in disease. Therefore, it has been classified as a Variant of Uncertain Significance.

Neuberg Centre For Genomic Medicine, NCGM
Classification: Uncertain significance for Progressive external ophthalmoplegia with mitochondrial DNA deletions, autosomal dominant 4. Last evaluated: 2023-02-14. Review status: criteria provided, single submitter. Criteria: ACMG Guidelines, 2015. Collection method: clinical testing. Allele origin: germline. Inheritance: Autosomal dominant inheritance. Affected: yes.
Comment: The missense variant c.1060T>C (p.Phe354Leu) in the POLG2 gene has not been reported previously as a pathogenic variant nor as a benign variant, to our knowledge. This variant is reported with the allele frequency (0.0003%) in the gnomAD Exomes and novel in 1000 Genomes. The amino acid Phenylalanine at position 354 is changed to a Leucine changing protein sequence and it might alter its composition and physico-chemical properties. The amino acid change p.Phe354Leu in POLG2 is predicted as conserved by PhyloP across 100 vertebrates. For these reasons, this variant has been classified as Uncertain Significance.

NM_007215.4(POLG2):c.1060T>C (p.Phe354Leu)

Genes: MILR1 (mast cell immunoglobulin like receptor 1; plus strand), POLG2 (DNA polymerase gamma 2, accessory subunit; minus strand). Cytogenetic location: 17q23.3.
Variant type: single nucleotide variant.
Coding change: c.1060T>C on transcript NM_007215.4 (MANE Select); coding-DNA position 1060, T replaced by C.
Protein change: p.Phe354Leu; replaces phenylalanine 354 with leucine.
Molecular consequence: missense variant.
Genome position (GRCh38, 1-based): chr17:64,485,778, A>G on the plus strand (T>C on the coding strand, the complement: POLG2 is on the minus strand). VCF-style: chr17-64485778-A-G. GRCh37 (hg19) VCF-style: chr17-62481895-A-G.
Other names: short protein forms F354L.
Identifiers: ClinVar variation 2664901 (VCV002664901.4), dbSNP rs551485718, ClinGen allele CA8712855.